The following is an entry in ClinVar:

ClinVar aggregate classification (germline): Uncertain significance. Review status: criteria provided, multiple submitters, no conflicts (2 of 4 stars). 3 submissions from 3 submitters: Uncertain significance (3). Last evaluated 2026-02-03.

Conditions:
Hereditary cancer-predisposing syndrome. Also called: Hereditary Cancer Syndrome; Hereditary neoplastic syndrome; Neoplastic Syndromes, Hereditary; Tumor predisposition. Identifiers: Orphanet 140162, MedGen C0027672, MeSH D009386, MONDO:0015356.

Allele frequency attached by ClinVar (database versions not stated): ExAC 0.00001; gnomAD exomes 0.00001; TOPMed 0.00001; gnomAD 0.00006.
gnomAD v4.1: 11 of 1,613,584 alleles (0.00068%); highest among the groups gnomAD compares: African/African-American, 0.0053%; no homozygotes.

Submissions (3):

Labcorp Genetics (formerly Invitae), Labcorp
Classification: Uncertain significance. Last evaluated: 2026-02-03. Review status: criteria provided, single submitter. Criteria: Invitae Variant Classification Sherloc (09022015). Collection method: clinical testing. Allele origin: germline.
Comment: This sequence change replaces valine, which is neutral and non-polar, with methionine, which is neutral and non-polar, at codon 2108 of the POLE protein (p.Val2108Met). This variant is present in population databases (rs776551240, gnomAD 0.008%). This variant has not been reported in the literature in individuals affected with POLE-related conditions. ClinVar contains an entry for this variant (Variation ID: 405865). Invitae Evidence Modeling of protein sequence and biophysical properties (such as structural, functional, and spatial information, amino acid conservation, physicochemical variation, residue mobility, and thermodynamic stability) indicates that this missense variant is not expected to disrupt POLE protein function with a negative predictive value of 80%. In summary, the available evidence is currently insufficient to determine the role of this variant in disease. Therefore, it has been classified as a Variant of Uncertain Significance.

GeneDx
Classification: Uncertain significance. Last evaluated: 2025-09-03. Review status: criteria provided, single submitter. Criteria: GeneDx Variant Classification Process June 2021. Collection method: clinical testing. Allele origin: germline. Affected: yes.
Comment: Not observed at significant frequency in large population cohorts (gnomAD); In silico analysis suggests that this missense variant does not alter protein structure/function; Has not been previously published as pathogenic or benign to our knowledge

Ambry Genetics
Classification: Uncertain significance for Hereditary cancer-predisposing syndrome. Last evaluated: 2024-12-16. Review status: criteria provided, single submitter. Criteria: Ambry Variant Classification Scheme 2023. Collection method: clinical testing. Allele origin: germline.
Comment: The p.V2108M variant (also known as c.6322G>A), located in coding exon 45 of the POLE gene, results from a G to A substitution at nucleotide position 6322. The valine at codon 2108 is replaced by methionine, an amino acid with highly similar properties. This amino acid position is highly conserved in available vertebrate species. In addition, this alteration is predicted to be tolerated by in silico analysis. Based on the available evidence, the clinical significance of this variant remains unclear.

NM_006231.4(POLE):c.6322G>A (p.Val2108Met)

Gene: POLE (DNA polymerase epsilon, catalytic subunit; minus strand). Cytogenetic location: 12q24.33.
Variant type: single nucleotide variant.
Coding change: c.6322G>A on transcript NM_006231.4 (MANE Select); coding-DNA position 6322, G replaced by A.
Protein change: p.Val2108Met; replaces valine 2108 with methionine.
Molecular consequence: missense variant.
Genome position (GRCh38, 1-based): chr12:132,632,323, C>T on the plus strand (G>A on the coding strand, the complement: POLE is on the minus strand). VCF-style: chr12-132632323-C-T. GRCh37 (hg19) VCF-style: chr12-133208909-C-T.
Other names: c.6322G>A (NM_006231.2); short protein forms V2108M.
Identifiers: ClinVar variation 405865 (VCV000405865.14), dbSNP rs776551240, ClinGen allele CA6892226.